The following is an entry in ClinVar:

ClinVar aggregate classification (germline): Likely pathogenic. Review status: criteria provided, multiple submitters, no conflicts (2 of 4 stars). 2 submissions from 2 submitters: Likely pathogenic (2). Last evaluated 2025-07-21.

Conditions:
Autosomal recessive nonsyndromic hearing loss 77. Identifiers: Orphanet 90636, MedGen C2746083, MONDO:0013119, OMIM 613079.

Submissions (2):

Natera, Inc.
Classification: Likely pathogenic for Autosomal recessive deafness type 77. Last evaluated: 2025-07-21. Review status: criteria provided, single submitter. Criteria: Natera Variant Classification Schema (03/2026). Collection method: clinical testing. Allele origin: germline.
Comment: The c.5591dup variant in LOXHD1 is a frameshift variant predicted to shift the reading frame beginning at codon 1864 and leads to a stop codon 6 codons downstream. This variant is expected to result in nonsense mediated decay, truncation, or a dysfunctional protein product. This variant is rare in the general population with a frequency below the threshold expected for the associated phenotype(s). Given the available evidence, this variant is classified as Likely Pathogenic.

Fulgent Genetics
Classification: Likely pathogenic for Autosomal recessive nonsyndromic hearing loss 77. Last evaluated: 2024-03-14. Review status: criteria provided, single submitter. Criteria: ACMG Guidelines, 2015. Collection method: clinical testing. Allele origin: germline.

NM_001384474.1(LOXHD1):c.5777dup (p.Asn1926fs)

Gene: LOXHD1 (lipoxygenase homology PLAT domains 1; minus strand). Cytogenetic location: 18q21.1.
Variant type: Duplication.
Coding change: c.5777dup on transcript NM_001384474.1 (MANE Select); coding-DNA position 5777, one base duplicated (A; older notation c.5777dupA).
Protein change: p.Asn1926fs; shifts the reading frame from asparagine 1926.
Molecular consequence: frameshift variant.
Genome position (GRCh38, 1-based): chr18:46,505,939, T duplicated on the plus strand (A on the coding strand, the reverse complement: LOXHD1 is on the minus strand); the first of 3 consecutive T bases (chr18:46,505,939-46,505,941); duplicating any one gives the same sequence. VCF-style (leftmost placement, unchanged base first): chr18-46505938-G-GT. GRCh37 (hg19) VCF-style: chr18-44085901-G-GT.
Other names: c.2444dup, p.Asn815fs (NM_001145472.3); c.494dup, p.Asn165fs (NM_001145473.3, NM_001173129.2); c.2156dup, p.Asn719fs (NM_001308013.2); c.5591dup, p.Asn1864fs (NM_144612.7); c.5591dup (NM_144612.6); short protein forms N719fs, N1864fs, N1926fs, N165fs, N815fs.
Identifiers: ClinVar variation 3583344 (VCV003583344.2).
Genomic context (GRCh38, chr18:46,505,938, plus strand): 5'-CAAGCTCAGCATGTCAGGGAAGTTGAATGTGTCCGTGTTGTTCCGCTCAAACTTGTTCCA[G>GT]TTTGCCGACTGCTTCAGGGCCAGTGTCCCACTATCCCCGTTCTCCCCGAAGATGATGATG-3'